The following is an entry in ClinVar:

ClinVar aggregate classification (germline): Uncertain significance (1 of 4 stars; one submission).

Submission:

GeneDx
Classification: Uncertain significance. Last evaluated: 2023-12-12. Review status: criteria provided, single submitter. Criteria: GeneDx Variant Classification Process June 2021. Collection method: clinical testing. Allele origin: germline. Affected: yes.
Comment: Not observed at significant frequency in large population cohorts (gnomAD); In silico analysis supports that this missense variant has a deleterious effect on protein structure/function; Has not been previously published as pathogenic or benign to our knowledge

NM_005629.4(SLC6A8):c.1372G>C (p.Asp458His)

Gene: SLC6A8 (solute carrier family 6 member 8; plus strand). Cytogenetic location: Xq28.
Variant type: single nucleotide variant.
Coding change: c.1372G>C on transcript NM_005629.4 (MANE Select); coding-DNA position 1372, G replaced by C.
Protein change: p.Asp458His; replaces aspartic acid 458 with histidine.
Molecular consequence: missense variant.
Genome position (GRCh38, 1-based): chrX:153,694,247, G>C. VCF-style: chrX-153694247-G-C. GRCh37 (hg19) VCF-style: chrX-152959702-G-C.
Other names: c.1342G>C, p.Asp448His (NM_001142805.2); c.1027G>C, p.Asp343His (NM_001142806.1); short protein forms D343H, D448H, D458H.
Identifiers: ClinVar variation 3365475 (VCV003365475.1).